The following is an entry in ClinVar:

ClinVar aggregate classification (germline): Uncertain significance. Review status: criteria provided, multiple submitters, no conflicts (2 of 4 stars). 4 submissions from 4 submitters: Uncertain significance (4). Last evaluated 2025-04-01.

Conditions:
Neutropenia, severe congenital, 2, autosomal dominant. Identifiers: Orphanet 486, MedGen C2751288, MONDO:0013139, OMIM 613107.

Allele frequency attached by ClinVar (database versions not stated): gnomAD exomes below 0.00001; gnomAD 0.00001.

Submissions (4):

CeGaT Center for Human Genetics Tuebingen
Classification: Uncertain significance. Last evaluated: 2025-04-01. Review status: criteria provided, single submitter. Criteria: CeGaT Center For Human Genetics Tuebingen Variant Classification Criteria Version 2. Collection method: clinical testing. Allele origin: germline. Affected: yes. Observed: 1 variant allele.
Comment: GFI1: PM2:Supporting, BP4

Blueprint Genetics
Classification: Uncertain significance. Last evaluated: 2024-01-23. Review status: criteria provided, single submitter. Criteria: ACMG Guidelines, 2015. Collection method: clinical testing. Allele origin: germline.

Genetic Services Laboratory, University of Chicago
Classification: Uncertain significance. Last evaluated: 2023-01-29. Review status: criteria provided, single submitter. Criteria: ACMG Guidelines, 2015. Collection method: clinical testing. Allele origin: germline. Affected: no.
Comment: DNA sequence analysis of the GFI1 gene demonstrated a sequence change, c.82C>T, in exon 2 that results in an amino acid change, p.Arg28Cys. This sequence change does not appear to have been previously described in individuals with GFI1-related disorders and has also not been described in population databases such as ExAC and gnomAD. The p.Arg28Cys change affects a moderately conserved amino acid residue located in a domain of the GFI1 protein that is not known to be functional. In-silico pathogenicity prediction tools (SIFT, PolyPhen2, Align GVGD, REVEL) provide contradictory results for the p.Arg28Cys substitution. Due to insufficient evidence and the lack of functional studies, the clinical significance of the p.Arg28Cys change remains unknown at this time.

Labcorp Genetics (formerly Invitae), Labcorp
Classification: Uncertain significance for Neutropenia, severe congenital, 2, autosomal dominant. Last evaluated: 2020-02-23. Review status: criteria provided, single submitter. Criteria: Invitae Variant Classification Sherloc (09022015). Collection method: clinical testing. Allele origin: germline.
Comment: In summary, the available evidence is currently insufficient to determine the role of this variant in disease. Therefore, it has been classified as a Variant of Uncertain Significance. Algorithms developed to predict the effect of missense changes on protein structure and function are either unavailable or do not agree on the potential impact of this missense change (SIFT: "Tolerated"; PolyPhen-2: "Possibly Damaging"; Align-GVGD: "Class C0"). This variant has not been reported in the literature in individuals with GFI1-related conditions. This variant is not present in population databases (ExAC no frequency). This sequence change replaces arginine with cysteine at codon 28 of the GFI1 protein (p.Arg28Cys). The arginine residue is weakly conserved and there is a large physicochemical difference between arginine and cysteine.

NM_005263.5(GFI1):c.82C>T (p.Arg28Cys)

Gene: GFI1 (growth factor independent 1 transcriptional repressor; minus strand). Cytogenetic location: 1p22.1.
Variant type: single nucleotide variant.
Coding change: c.82C>T on transcript NM_005263.5 (MANE Select); coding-DNA position 82, C replaced by T.
Protein change: p.Arg28Cys; replaces arginine 28 with cysteine.
Molecular consequence: missense variant.
Genome position (GRCh38, 1-based): chr1:92,483,406, G>A on the plus strand (C>T on the coding strand, the complement: GFI1 is on the minus strand). VCF-style: chr1-92483406-G-A. GRCh37 (hg19) VCF-style: chr1-92948963-G-A.
Other names: c.82C>T (NM_005263.4); c.82C>T, p.Arg28Cys (NM_001127215.3, NM_001127216.3); short protein forms R28C.
Identifiers: ClinVar variation 1024307 (VCV001024307.18), dbSNP rs1658376108, ClinGen allele CA341150736.